The following is an entry in ClinVar:

ClinVar aggregate classification (germline): Benign. Review status: criteria provided, multiple submitters, no conflicts (2 of 4 stars). 2 submissions from 2 submitters: Benign (2). Last evaluated 2018-01-12.

Conditions:
Thyroid hormone resistance, generalized, autosomal dominant (GRTHD). Also called: HYPERTHYROXINEMIA, FAMILIAL EUTHYROID, SECONDARY TO PITUITARY AND PERIPHERAL RESISTANCE TO THYROID HORMONES. Identifiers: MedGen C2937288, MONDO:0008569, OMIM 188570.

Allele frequency attached by ClinVar (database versions not stated): gnomAD 0.18687 and 0.18827; 1000 Genomes Project 0.19449; 1000 Genomes Project 30x 0.19644; TOPMed 0.19681; gnomAD exomes 0.50000.
gnomAD v4.1: 28,348 of 152,142 alleles (19%); highest among the groups gnomAD compares: African/African-American, 29%; 3,019 homozygotes.

Submissions (2):

Illumina Laboratory Services, Illumina
Classification: Benign for Thyroid hormone resistance, generalized, autosomal dominant. Last evaluated: 2018-01-12. Review status: criteria provided, single submitter. Criteria: ICSL Variant Classification Criteria 13 December 2019. Collection method: clinical testing. Allele origin: germline.
Comment: This variant was observed in the ICSL laboratory as part of a predisposition screen in an ostensibly healthy population. It had not been previously curated by ICSL or reported in the Human Gene Mutation Database (HGMD: prior to June 1st, 2018), and was therefore a candidate for classification through an automated scoring system. Utilizing variant allele frequency, disease prevalence and penetrance estimates, and inheritance mode, an automated score was calculated to assess if this variant is too frequent to cause the disease. Based on the score and internal cut-off values, a variant classified as benign is not then subjected to further curation. The score for this variant resulted in a classification of benign for this disease.

Breakthrough Genomics
Classification: Benign. Review status: criteria provided, single submitter. Criteria: ACMG Guidelines, 2015. Collection method: not provided. Allele origin: germline. Inheritance: Autosomal recessive inheritance. Affected: yes.

NM_001354712.2(THRB):c.*5728G>A

Gene: THRB (thyroid hormone receptor beta; minus strand). Cytogenetic location: 3p24.2.
Variant type: single nucleotide variant.
Coding change: c.*5728G>A on transcript NM_001354712.2 (MANE Select); 5728 bases downstream of the stop codon, G replaced by A.
Molecular consequence: 3 prime UTR variant.
Genome position (GRCh38, 1-based): chr3:24,117,156, C>T on the plus strand (G>A on the coding strand, the complement: THRB is on the minus strand). VCF-style: chr3-24117156-C-T. GRCh37 (hg19) VCF-style: chr3-24158647-C-T.
Other names: c.*5728G>A (NM_000461.5, NM_001128176.3, NM_001128177.2 and 8 more transcripts).
Identifiers: ClinVar variation 344532 (VCV000344532.6), dbSNP rs17014136, ClinGen allele CA10615491.